The following is an entry in ClinVar:

NM_001368809.2(AMPD2):c.1246C>T (p.Leu416=)

Genes: AMPD2 (adenosine monophosphate deaminase 2; plus strand), LOC126805822 (BRD4-independent group 4 enhancer GRCh37_chr1:110170748-110171947; plus strand). Cytogenetic location: 1p13.3.
Variant type: single nucleotide variant.
Coding change: c.1246C>T on transcript NM_001368809.2 (MANE Select); coding-DNA position 1246, C replaced by T.
Protein change: p.Leu416=; no amino-acid change (leucine 416 retained).
Molecular consequence: synonymous variant.
Genome position (GRCh38, 1-based): chr1:109,628,248, C>T. VCF-style: chr1-109628248-C-T. GRCh37 (hg19) VCF-style: chr1-110170870-C-T.
Other names: c.1408C>T (NM_001257360.1); c.1408C>T, p.Leu470= (NM_001257360.2); c.1054C>T, p.Leu352= (NM_001257361.2); c.1183C>T, p.Leu395= (NM_001308170.1); c.1246C>T, p.Leu416= (NM_004037.9); c.1165C>T, p.Leu389= (NM_139156.4).
Identifiers: ClinVar variation 2063948 (VCV002063948.5), dbSNP rs992687645, ClinGen allele CA28695702.
Genomic context (GRCh38, chr1:109,628,248, plus strand): 5'-CAGGGCCGTGAACAGACGCTGCGGGAGGTCTTTGAGAGCATGAATCTCACGGCCTACGAC[C>T]TGAGTGTGGACACGCTGGATGTGCATGCGGTCTGTGCCAGTGGCGTGGGCTGTGGGACTG-3'
Protein context (NP_001355738.1, residues 406-426): FESMNLTAYD[Leu416=]SVDTLDVHAD

ClinVar aggregate classification (germline): Likely benign. Review status: criteria provided, multiple submitters, no conflicts (2 of 4 stars). 2 submissions from 2 submitters: Likely benign (2). Last evaluated 2025-03-26.

Conditions:
Hereditary spastic paraplegia 63. Also called: Spastic paraplegia 63, autosomal recessive. Identifiers: Orphanet 401805, MedGen C3810295, MONDO:0014305, OMIM 615686.
Pontocerebellar hypoplasia type 9. Identifiers: Orphanet 369920, MedGen C4014354, MONDO:0014351, OMIM 615809.
AMPD2-related disorder. Also called: AMPD2-related condition.

Allele frequency attached by ClinVar (database versions not stated): gnomAD 0.00001; gnomAD exomes 0.00001; TOPMed 0.00002.
gnomAD v4.1: 7 of 1,613,800 alleles (0.00043%); highest among the groups gnomAD compares: Admixed American, 0.012%; no homozygotes.

Submissions (2):

PreventionGenetics, part of Exact Sciences
Classification: Likely benign for AMPD2-related condition. Last evaluated: 2025-03-26. Review status: criteria provided, single submitter. Criteria: ACMG Guidelines, 2015. Collection method: clinical testing. Allele origin: germline.
Comment: This variant is classified as likely benign based on ACMG/AMP sequence variant interpretation guidelines (Richards et al. 2015 PMID: 25741868, with internal and published modifications).

Labcorp Genetics (formerly Invitae), Labcorp
Classification: Likely benign for Pontocerebellar hypoplasia type 9; Hereditary spastic paraplegia 63. Last evaluated: 2023-10-13. Review status: criteria provided, single submitter. Criteria: Invitae Variant Classification Sherloc (09022015). Collection method: clinical testing. Allele origin: germline.